The following is an entry in ClinVar:

NM_001277313.2(FMN1):c.2044-2601G>C

Gene: FMN1 (formin 1; minus strand). Cytogenetic location: 15q13.3.
Variant type: single nucleotide variant.
Coding change: c.2044-2601G>C on transcript NM_001277313.2 (MANE Select); 2601 bases into the intron before coding-DNA position 2044, G replaced by C.
Molecular consequence: intron variant. On other transcripts: missense variant (1).
Genome position (GRCh38, 1-based): chr15:33,067,675, C>G on the plus strand (G>C on the coding strand, the complement: FMN1 is on the minus strand). VCF-style: chr15-33067675-C-G. GRCh37 (hg19) VCF-style: chr15-33359876-C-G.
Other names: c.210G>C, p.Gln70His (NM_001103184.4); short protein forms Q70H.
Identifiers: ClinVar variation 3623249 (VCV003623249.2).
Genomic context (GRCh38, chr15:33,067,675, plus strand): 5'-GTCAGGTGAAACCCGAGACCCTGCTTCCTGTGGATCCAAGCCATTGCTGGAATCATCCTG[C>G]TGAGATGTGGGATTCACGTCTAAACTATGGAATGCTTTCAGCACAGCATCTTCCTCTTCT-3'

ClinVar aggregate classification (germline): Uncertain significance (1 of 4 stars; one submission).

gnomAD v4.1: 2 of 1,614,030 alleles (0.00012%); highest among the groups gnomAD compares: Non-Finnish European, 0.00017%; no homozygotes.

Submission:

Labcorp Genetics (formerly Invitae), Labcorp
Classification: Uncertain significance. Last evaluated: 2024-03-13. Review status: criteria provided, single submitter. Criteria: Invitae Variant Classification Sherloc (09022015). Collection method: clinical testing. Allele origin: germline.
Comment: This sequence change replaces glutamine, which is neutral and polar, with histidine, which is basic and polar, at codon 70 of the FMN1 protein (p.Gln70His). This variant is not present in population databases (gnomAD no frequency). This variant has not been reported in the literature in individuals affected with FMN1-related conditions. Experimental studies and prediction algorithms are not available or were not evaluated, and the functional significance of this variant is currently unknown. In summary, the available evidence is currently insufficient to determine the role of this variant in disease. Therefore, it has been classified as a Variant of Uncertain Significance.